The following is an entry in ClinVar:

NM_000414.4(HSD17B4):c.2112C>A (p.Asp704Glu)

Gene: HSD17B4 (hydroxysteroid 17-beta dehydrogenase 4; plus strand). Cytogenetic location: 5q23.1.
Variant type: single nucleotide variant.
Coding change: c.2112C>A on transcript NM_000414.4 (MANE Select); coding-DNA position 2112, C replaced by A.
Protein change: p.Asp704Glu; replaces aspartic acid 704 with glutamic acid.
Molecular consequence: missense variant. On other transcripts: non-coding transcript variant (2).
Genome position (GRCh38, 1-based): chr5:119,536,541, C>A. VCF-style: chr5-119536541-C-A. GRCh37 (hg19) VCF-style: chr5-118872236-C-A.
Other names: c.2187C>A, p.Asp729Glu (NM_001199291.3); c.2058C>A, p.Asp686Glu (NM_001199292.2); c.2040C>A, p.Asp680Glu (NM_001292027.2, NM_001374498.1); c.1692C>A, p.Asp564Glu (NM_001292028.2); c.2103C>A, p.Asp701Glu (NM_001374497.1); c.1785C>A, p.Asp595Glu (NM_001374499.1); c.1671C>A, p.Asp557Glu (NM_001374500.1); c.1701C>A, p.Asp567Glu (NM_001374501.1, NM_001374502.1, NM_001374503.1); and 1 more; short protein forms D567E, D564E, D680E, D686E, D729E, D595E, D701E, D557E.
Identifiers: ClinVar variation 2047974 (VCV002047974.3), dbSNP rs139609197, ClinGen allele CA3382507.

ClinVar aggregate classification (germline): Uncertain significance. Review status: criteria provided, multiple submitters, no conflicts (2 of 4 stars). 3 submissions from 3 submitters: Uncertain significance (3). Last evaluated 2024-12-03.

Conditions:
Inborn genetic diseases. Identifiers: MedGen C0950123, MeSH D030342.
Perrault syndrome. Also called: Gonadal dysgenesis with auditory dysfunction, autosomal recessive inheritance. Identifiers: Orphanet 2855, MedGen C0685838, MONDO:0017312.
Bifunctional peroxisomal enzyme deficiency (DBIF). Also called: D-bifunctional protein deficiency; PBFE DEFICIENCY; DBP DEFICIENCY. Identifiers: Orphanet 300, MedGen C0342870, MONDO:0009855, OMIM 261515. Disease mechanism: loss of function.

Allele frequency attached by ClinVar (database versions not stated): gnomAD 0.00005; TOPMed 0.00005; ExAC 0.00006; 1000 Genomes Project 30x 0.00016; 1000 Genomes Project 0.00020; gnomAD exomes 0.00020.
gnomAD v4.1: 287 of 1,611,748 alleles (0.018%); highest among the groups gnomAD compares: Non-Finnish European, 0.024%; no homozygotes.

Submissions (3):

Ambry Genetics
Classification: Uncertain significance for Inborn genetic diseases. Last evaluated: 2024-12-03. Review status: criteria provided, single submitter. Criteria: Ambry Variant Classification Scheme 2023. Collection method: clinical testing. Allele origin: germline.

GeneDx
Classification: Uncertain significance. Last evaluated: 2024-04-05. Review status: criteria provided, single submitter. Criteria: GeneDx Variant Classification Process June 2021. Collection method: clinical testing. Allele origin: germline. Affected: yes.
Comment: Not observed at significant frequency in large population cohorts (gnomAD); In silico analysis indicates that this missense variant does not alter protein structure/function; Has not been previously published as pathogenic or benign to our knowledge

Labcorp Genetics (formerly Invitae), Labcorp
Classification: Uncertain significance for Perrault syndrome; Bifunctional peroxisomal enzyme deficiency. Last evaluated: 2022-10-17. Review status: criteria provided, single submitter. Criteria: Invitae Variant Classification Sherloc (09022015). Collection method: clinical testing. Allele origin: germline.
Comment: This sequence change replaces aspartic acid, which is acidic and polar, with glutamic acid, which is acidic and polar, at codon 704 of the HSD17B4 protein (p.Asp704Glu). This variant is present in population databases (rs139609197, gnomAD 0.01%). This variant has not been reported in the literature in individuals affected with HSD17B4-related conditions. Advanced modeling of protein sequence and biophysical properties (such as structural, functional, and spatial information, amino acid conservation, physicochemical variation, residue mobility, and thermodynamic stability) performed at Invitae indicates that this missense variant is not expected to disrupt HSD17B4 protein function. In summary, the available evidence is currently insufficient to determine the role of this variant in disease. Therefore, it has been classified as a Variant of Uncertain Significance.